The following is an entry in ClinVar:

ClinVar aggregate classification (germline): Uncertain significance. Review status: criteria provided, multiple submitters, no conflicts (2 of 4 stars). 3 submissions from 3 submitters: Uncertain significance (3). Last evaluated 2025-08-24.

Conditions:
Hereditary cancer-predisposing syndrome. Also called: Neoplastic Syndromes, Hereditary; Hereditary neoplastic syndrome; Tumor predisposition; Hereditary Cancer Syndrome. Identifiers: Orphanet 140162, MedGen C0027672, MeSH D009386, MONDO:0015356.
Hereditary pheochromocytoma and paraganglioma. Also called: Hereditary Paraganglioma-Pheochromocytoma Syndromes; Hereditary paragangliomas and pheochromocytomas; Hereditary pheochromocytoma-paraganglioma. Identifiers: Orphanet 29072, MedGen C4274332, MONDO:0017366.

gnomAD v4.1: 6 of 1,614,086 alleles (0.00037%); highest among the groups gnomAD compares: African/African-American, 0.0013%; no homozygotes.

Submissions (3):

Color Diagnostics, LLC DBA Color Health
Classification: Uncertain significance for Hereditary pheochromocytoma and paraganglioma. Last evaluated: 2025-08-24. Review status: criteria provided, single submitter. Criteria: ACMG Guidelines, 2015. Collection method: clinical testing. Allele origin: germline.
Comment: This missense variant replaces proline with serine at codon 129 of the SDHAF2 protein. Computational prediction suggests that this variant may have deleterious impact on protein structure and function. To our knowledge, functional studies have not been reported for this variant. This variant has not been reported in individuals affected with SDHAF2-related disorders in the literature. This variant has not been identified in the general population by the Genome Aggregation Database (gnomAD). The available evidence is insufficient to determine the role of this variant in disease conclusively. Therefore, this variant is classified as a Variant of Uncertain Significance.

Labcorp Genetics (formerly Invitae), Labcorp
Classification: Uncertain significance for Hereditary pheochromocytoma and paraganglioma. Last evaluated: 2023-07-29. Review status: criteria provided, single submitter. Criteria: Invitae Variant Classification Sherloc (09022015). Collection method: clinical testing. Allele origin: germline.
Comment: An algorithm developed to predict the effect of missense changes on protein structure and function (PolyPhen-2) suggests that this variant is likely to be disruptive. ClinVar contains an entry for this variant (Variation ID: 411606). This variant has not been reported in the literature in individuals affected with SDHAF2-related conditions. This variant is not present in population databases (gnomAD no frequency). This sequence change replaces proline, which is neutral and non-polar, with serine, which is neutral and polar, at codon 129 of the SDHAF2 protein (p.Pro129Ser). In summary, the available evidence is currently insufficient to determine the role of this variant in disease. Therefore, it has been classified as a Variant of Uncertain Significance.

Ambry Genetics
Classification: Uncertain significance for Hereditary cancer-predisposing syndrome. Last evaluated: 2022-07-17. Review status: criteria provided, single submitter. Criteria: Ambry Variant Classification Scheme 2023. Collection method: clinical testing. Allele origin: germline.
Comment: The p.P129S variant (also known as c.385C>T), located in coding exon 4 of the SDHAF2 gene, results from a C to T substitution at nucleotide position 385. The proline at codon 129 is replaced by serine, an amino acid with similar properties. This amino acid position is conserved. In addition, this alteration is predicted to be deleterious by in silico analysis. Since supporting evidence is limited at this time, the clinical significance of this alteration remains unclear.

NM_017841.4(SDHAF2):c.385C>T (p.Pro129Ser)

Gene: SDHAF2 (succinate dehydrogenase complex assembly factor 2; plus strand). Cytogenetic location: 11q12.2.
Variant type: single nucleotide variant.
Coding change: c.385C>T on transcript NM_017841.4 (MANE Select); coding-DNA position 385, C replaced by T.
Protein change: p.Pro129Ser; replaces proline 129 with serine.
Molecular consequence: missense variant.
Genome position (GRCh38, 1-based): chr11:61,445,955, C>T. VCF-style: chr11-61445955-C-T. GRCh37 (hg19) VCF-style: chr11-61213427-C-T.
Other names: short protein forms P129S.
Identifiers: ClinVar variation 411606 (VCV000411606.11), dbSNP rs1060503391, ClinGen allele CA16613603.